The following is an entry in ClinVar:

NM_080916.3(DGUOK):c.*206_*210dup

Genes: DGUOK (deoxyguanosine kinase; plus strand), DGUOK-AS1 (DGUOK antisense RNA 1; minus strand). Cytogenetic location: 2p13.1.
Variant type: Duplication.
Coding change: c.*206_*210dup on transcript NM_080916.3 (MANE Select); 206 bases downstream of the stop codon through 210 bases downstream of the stop codon, 5 bases duplicated (AGTTA; older notation c.*206_*210dupAGTTA).
Molecular consequence: 3 prime UTR variant. On other transcripts: non-coding transcript variant (6).
Genome position (GRCh38, 1-based): chr2:73,958,942-73,958,946, AGTTA duplicated; duplicating any 5 consecutive bases within chr2:73,958,939-73,958,946 gives the same sequence; the c. name uses the placement nearest the transcript's 3' end. VCF-style (leftmost placement, unchanged base first): chr2-73958938-C-CTTAAG. GRCh37 (hg19) VCF-style: chr2-74186065-C-CTTAAG.
Other names: c.*206_*210dup (NM_001318859.2, NM_001318860.2, NM_001318861.2 and 3 more transcripts).
Identifiers: ClinVar variation 337053 (VCV000337053.38), dbSNP rs554820333, ClinGen allele CA10613963.
Genomic context (GRCh38, chr2:73,958,938, plus strand): 5'-TATTGTTAGACTTTGCCATTGTTTTCTTTTGTACCTGAAGCATTTTGAAAATAAAGTTTA[C>CTTAAG]TTAAGTTATGCTTGTTTTTCTAATTCAGTTGCTCATTTATTTCAGCATGTATCTCTTGGT-3'

ClinVar aggregate classification (germline): Benign/Likely benign. Review status: criteria provided, multiple submitters, no conflicts (2 of 4 stars). 2 submissions from 2 submitters: Benign (1); Likely benign (1). Last evaluated 2023-05-01.

Submissions (2):

CeGaT Center for Human Genetics Tuebingen
Classification: Benign. Last evaluated: 2023-05-01. Review status: criteria provided, single submitter. Criteria: CeGaT Center For Human Genetics Tuebingen Variant Classification Criteria Version 2. Collection method: clinical testing. Allele origin: germline. Affected: yes. Observed: 12 variant alleles.
Comment: DGUOK: BS1, BS2

GeneDx
Classification: Likely benign. Last evaluated: 2020-03-15. Review status: criteria provided, single submitter. Criteria: GeneDx Variant Classification Process June 2021. Collection method: clinical testing. Allele origin: germline. Affected: yes.